The following is an entry in ClinVar:

NM_000815.5(GABRD):c.250-3C>T

Gene: GABRD (gamma-aminobutyric acid type A receptor subunit delta; plus strand). Cytogenetic location: 1p36.33.
Variant type: single nucleotide variant.
Coding change: c.250-3C>T on transcript NM_000815.5 (MANE Select); 3 bases into the intron before coding-DNA position 250, C replaced by T.
Molecular consequence: intron variant.
Genome position (GRCh38, 1-based): chr1:2,025,515, C>T. VCF-style: chr1-2025515-C-T. GRCh37 (hg19) VCF-style: chr1-1956954-C-T.
Identifiers: ClinVar variation 3714262 (VCV003714262.2).

ClinVar aggregate classification (germline): Uncertain significance (1 of 4 stars; one submission).

Conditions:
Idiopathic generalized epilepsy. Also called: Generalised epilepsy; EIG. Identifiers: MedGen C0270850, MONDO:0005579, OMIM 600669.

gnomAD v4.1: 13 of 1,612,804 alleles (0.00081%); highest among the groups gnomAD compares: African/African-American, 0.0027%; no homozygotes.

Submission:

Labcorp Genetics (formerly Invitae), Labcorp
Classification: Uncertain significance for Idiopathic generalized epilepsy. Last evaluated: 2025-03-17. Review status: criteria provided, single submitter. Criteria: Invitae Variant Classification Sherloc (09022015). Collection method: clinical testing. Allele origin: germline.
Comment: This sequence change falls in intron 3 of the GABRD gene. It does not directly change the encoded amino acid sequence of the GABRD protein. It affects a nucleotide within the consensus splice site. This variant is present in population databases (rs773525730, gnomAD 0.004%). This variant has not been reported in the literature in individuals affected with GABRD-related conditions. Variants that disrupt the consensus splice site are a relatively common cause of aberrant splicing (PMID: 17576681, 9536098). Algorithms developed to predict the effect of sequence changes on RNA splicing suggest that this variant is not likely to affect RNA splicing. In summary, the available evidence is currently insufficient to determine the role of this variant in disease. Therefore, it has been classified as a Variant of Uncertain Significance.

Literature cited by the submitters: PubMed 17576681; PubMed 9536098.